The following is an entry in ClinVar:

ClinVar aggregate classification (germline): Conflicting classifications of pathogenicity. Review status: criteria provided, conflicting classifications (1 of 4 stars). 5 submissions from 5 submitters: Uncertain significance (1); Likely benign (4). Last evaluated 2025-10-26.

Conditions:
Inborn genetic diseases. Identifiers: MedGen C0950123, MeSH D030342.
Acrocallosal syndrome (ACLS). Also called: HALLUX DUPLICATION, POSTAXIAL POLYDACTYLY, AND ABSENCE OF CORPUS CALLOSUM; Schinzel syndrome 1; Absence of corpus callosum with unusual facial appearance, mental deficiency, duplication of the halluces and polydactyly. Identifiers: Orphanet 36, MedGen C0796147, MONDO:0008708, OMIM 200990.

Allele frequency attached by ClinVar (database versions not stated): ExAC 0.00006; TOPMed 0.00010.
gnomAD v4.1: 129 of 1,610,378 alleles (0.008%); highest among the groups gnomAD compares: Middle Eastern, 0.2%; no homozygotes.

Submissions (5):

Labcorp Genetics (formerly Invitae), Labcorp
Classification: Likely benign for Acrocallosal syndrome. Last evaluated: 2025-10-26. Review status: criteria provided, single submitter. Criteria: Invitae Variant Classification Sherloc (09022015). Collection method: clinical testing. Allele origin: germline.

Ambry Genetics
Classification: Likely benign for Inborn genetic diseases. Last evaluated: 2024-09-25. Review status: criteria provided, single submitter. Criteria: Ambry Variant Classification Scheme 2023. Collection method: clinical testing. Allele origin: germline.

Blueprint Genetics
Classification: Likely benign. Last evaluated: 2024-09-12. Review status: criteria provided, single submitter. Criteria: ACMG Guidelines, 2015. Collection method: clinical testing. Allele origin: germline.

CeGaT Center for Human Genetics Tuebingen
Classification: Likely benign. Last evaluated: 2023-09-01. Review status: criteria provided, single submitter. Criteria: CeGaT Center For Human Genetics Tuebingen Variant Classification Criteria Version 2. Collection method: clinical testing. Allele origin: germline. Affected: yes. Observed: 4 variant alleles.
Comment: KIF7: BP4, BP7

Illumina Laboratory Services, Illumina
Classification: Uncertain significance for Acrocallosal syndrome. Last evaluated: 2018-01-13. Review status: criteria provided, single submitter. Criteria: ICSL Variant Classification Criteria 13 December 2019. Collection method: clinical testing. Allele origin: germline.

NM_198525.3(KIF7):c.2337G>A (p.Glu779=)

Gene: KIF7 (kinesin family member 7; minus strand). Cytogenetic location: 15q26.1.
Variant type: single nucleotide variant.
Coding change: c.2337G>A on transcript NM_198525.3 (MANE Select); coding-DNA position 2337, G replaced by A.
Protein change: p.Glu779=; no amino-acid change (glutamic acid 779 retained).
Molecular consequence: synonymous variant.
Genome position (GRCh38, 1-based): chr15:89,642,260, C>T on the plus strand (G>A on the coding strand, the complement: KIF7 is on the minus strand). VCF-style: chr15-89642260-C-T. GRCh37 (hg19) VCF-style: chr15-90185491-C-T.
Identifiers: ClinVar variation 317358 (VCV000317358.40), dbSNP rs202089770, ClinGen allele CA7728232.
Genomic context (GRCh38, chr15:89,642,260, plus strand): 5'-AACCTGCACCTGGCTCTGGGCCGCAGCGACCCTCCTGCGGAACTCCTGGAGCCGAGACCG[C>T]TCGCCAGCATCCTGGAGCTCCTTGCCCTCGAGCTCCCGCAGCTGCCTCTGGCCTTCACTC-3'
Protein context (NP_940927.2, residues 769-789): LEGKELQDAG[Glu779=]RSRLQEFRRR